The following is an entry in ClinVar:

NM_133642.5(LARGE1):c.424A>G (p.Ile142Val)

Gene: LARGE1 (LARGE xylosyl- and glucuronyltransferase 1; minus strand). Cytogenetic location: 22q12.3.
Variant type: single nucleotide variant.
Coding change: c.424A>G on transcript NM_133642.5 (MANE Select); coding-DNA position 424, A replaced by G.
Protein change: p.Ile142Val; replaces isoleucine 142 with valine.
Molecular consequence: missense variant.
Genome position (GRCh38, 1-based): chr22:33,626,311, T>C on the plus strand (A>G on the coding strand, the complement: LARGE1 is on the minus strand). VCF-style: chr22-33626311-T-C. GRCh37 (hg19) VCF-style: chr22-34022295-T-C.
Other names: c.424A>G (NM_004737.6); c.424A>G, p.Ile142Val (NM_001362949.2, NM_001362951.2, NM_001362953.2 and 7 more transcripts); short protein forms I142V.
Identifiers: ClinVar variation 1506086 (VCV001506086.9), dbSNP rs199906790, ClinGen allele CA10203049.

ClinVar aggregate classification (germline): Uncertain significance. Review status: criteria provided, multiple submitters, no conflicts (2 of 4 stars). 3 submissions from 3 submitters: Uncertain significance (3). Last evaluated 2024-10-25.

Conditions:
Muscular dystrophy-dystroglycanopathy type B6 (MDDGB6). Also called: MUSCULAR DYSTROPHY-DYSTROGLYCANOPATHY (CONGENITAL WITH IMPAIRED INTELLECTUAL DEVELOPMENT), TYPE B, 6; MUSCULAR DYSTROPHY, CONGENITAL, LARGE-RELATED; MUSCULAR DYSTROPHY, CONGENITAL, TYPE 1D. Identifiers: MedGen C1837229, MONDO:0012138, OMIM 608840.

Allele frequency attached by ClinVar (database versions not stated): ExAC 0.00001; gnomAD exomes 0.00002.
gnomAD v4.1: 51 of 1,613,764 alleles (0.0032%); highest among the groups gnomAD compares: East Asian, 0.0067%; no homozygotes.

Submissions (3):

Labcorp Genetics (formerly Invitae), Labcorp
Classification: Uncertain significance for Muscular dystrophy-dystroglycanopathy type B6. Last evaluated: 2024-10-25. Review status: criteria provided, single submitter. Criteria: Invitae Variant Classification Sherloc (09022015). Collection method: clinical testing. Allele origin: germline.
Comment: This sequence change replaces isoleucine, which is neutral and non-polar, with valine, which is neutral and non-polar, at codon 142 of the LARGE1 protein (p.Ile142Val). This variant is present in population databases (rs199906790, gnomAD 0.005%). This variant has not been reported in the literature in individuals affected with LARGE1-related conditions. ClinVar contains an entry for this variant (Variation ID: 1506086). Invitae Evidence Modeling of protein sequence and biophysical properties (such as structural, functional, and spatial information, amino acid conservation, physicochemical variation, residue mobility, and thermodynamic stability) indicates that this missense variant is not expected to disrupt LARGE1 protein function with a negative predictive value of 80%. In summary, the available evidence is currently insufficient to determine the role of this variant in disease. Therefore, it has been classified as a Variant of Uncertain Significance.

Revvity Omics, Revvity
Classification: Uncertain significance. Last evaluated: 2023-06-27. Review status: criteria provided, single submitter. Criteria: ACMG Guidelines, 2015. Collection method: clinical testing. Allele origin: germline.

Blueprint Genetics
Classification: Uncertain significance. Last evaluated: 2023-01-18. Review status: criteria provided, single submitter. Criteria: ACMG Guidelines, 2015. Collection method: clinical testing. Allele origin: germline.